The following is an entry in ClinVar:

NM_130837.3(OPA1):c.2779-1G>A

Gene: OPA1 (OPA1 mitochondrial dynamin like GTPase; plus strand). Cytogenetic location: 3q29.
Variant type: single nucleotide variant.
Coding change: c.2779-1G>A on transcript NM_130837.3 (MANE Select); the canonical splice acceptor site of the intron before coding-DNA position 2779, G replaced by A.
Molecular consequence: splice acceptor variant.
Genome position (GRCh38, 1-based): chr3:193,666,295, G>A. VCF-style: chr3-193666295-G-A. GRCh37 (hg19) VCF-style: chr3-193384084-G-A.
Other names: c.2242-1G>A (NM_001354664.2); c.2245-1G>A (NM_001354663.2); c.2668-1G>A (NM_130834.3); c.2725-1G>A (NM_130836.3); c.2614-1G>A (NM_015560.3); c.2671-1G>A (NM_130835.3); c.2560-1G>A (NM_130832.3); c.2617-1G>A (NM_130833.3); and 1 more.
Identifiers: ClinVar variation 3338789 (VCV003338789.3).

ClinVar aggregate classification (germline): Pathogenic. Review status: criteria provided, multiple submitters, no conflicts (2 of 4 stars). 2 submissions from 2 submitters: Pathogenic (2). Last evaluated 2024-09-16.

Submissions (2):

Labcorp Genetics (formerly Invitae), Labcorp
Classification: Pathogenic. Last evaluated: 2024-09-16. Review status: criteria provided, single submitter. Criteria: Invitae Variant Classification Sherloc (09022015). Collection method: clinical testing. Allele origin: germline.
Comment: This sequence change affects an acceptor splice site in intron 25 of the OPA1 gene. It is expected to disrupt RNA splicing. Variants that disrupt the donor or acceptor splice site typically lead to a loss of protein function (PMID: 16199547), and loss-of-function variants in OPA1 are known to be pathogenic (PMID: 11440988, 20157015, 20952381, 25012220). This variant is not present in population databases (gnomAD no frequency). Disruption of this splice site has been observed in individuals with clinical features of OPA1-related conditions (PMID: 19319978, 27860320, 28442211, 34242285). This variant is also known as c.2779-1G>A. Algorithms developed to predict the effect of sequence changes on RNA splicing suggest that this variant may disrupt the consensus splice site. For these reasons, this variant has been classified as Pathogenic.

GeneDx
Classification: Pathogenic. Last evaluated: 2023-12-21. Review status: criteria provided, single submitter. Criteria: GeneDx Variant Classification Process June 2021. Collection method: clinical testing. Allele origin: germline. Affected: yes.
Comment: Canonical splice site variant predicted to result in a null allele in a gene for which loss of function is a known mechanism of disease; Not observed at significant frequency in large population cohorts (gnomAD); This variant is associated with the following publications: (PMID: 19319978, 34242285, 31500643)

Literature cited by the submitters: PubMed 16199547 (cited by Labcorp Genetics (formerly Invitae), Labcorp); PubMed 11440988 (cited by Labcorp Genetics (formerly Invitae), Labcorp); PubMed 20157015 (cited by Labcorp Genetics (formerly Invitae), Labcorp); PubMed 20952381 (cited by Labcorp Genetics (formerly Invitae), Labcorp); PubMed 25012220 (cited by Labcorp Genetics (formerly Invitae), Labcorp); PubMed 19319978 (cited by Labcorp Genetics (formerly Invitae), Labcorp); PubMed 27860320 (cited by Labcorp Genetics (formerly Invitae), Labcorp); PubMed 28442211 (cited by Labcorp Genetics (formerly Invitae), Labcorp); PubMed 34242285 (cited by Labcorp Genetics (formerly Invitae), Labcorp).